The following is an entry in ClinVar:

ClinVar aggregate classification (germline): Uncertain significance (1 of 4 stars; one submission).

Conditions:
Multiple endocrine neoplasia type 4. Also called: MULTIPLE ENDOCRINE NEOPLASIA, TYPE IV. Identifiers: Orphanet 276152, MedGen C1970712, MONDO:0012552, OMIM 610755.

Submission:

Labcorp Genetics (formerly Invitae), Labcorp
Classification: Uncertain significance for Multiple endocrine neoplasia type 4. Last evaluated: 2017-05-30. Review status: criteria provided, single submitter. Criteria: Invitae Variant Classification Sherloc (09022015). Collection method: clinical testing. Allele origin: germline.
Comment: This sequence change replaces glutamic acid with lysine at codon 71 of the CDKN1B protein (p.Glu71Lys). The glutamic acid residue is highly conserved and there is a small physicochemical difference between glutamic acid and lysine. This variant is not present in population databases (ExAC no frequency). This variant has not been reported in the literature in individuals with a CDKN1B-related disease. Algorithms developed to predict the effect of missense changes on protein structure and function do not agree on the potential impact of this missense change (SIFT: "Deleterious"; PolyPhen-2: "Benign"; Align-GVGD: "Class C55"). In summary, this variant has uncertain impact on CDKN1B function. The available evidence is currently insufficient to determine its role in disease. Therefore, it has been classified as a Variant of Uncertain Significance.

NM_004064.5(CDKN1B):c.211G>A (p.Glu71Lys)

Gene: CDKN1B (cyclin dependent kinase inhibitor 1B; plus strand). Cytogenetic location: 12p13.1.
Variant type: single nucleotide variant.
Coding change: c.211G>A on transcript NM_004064.5 (MANE Select); coding-DNA position 211, G replaced by A.
Protein change: p.Glu71Lys; replaces glutamic acid 71 with lysine.
Molecular consequence: missense variant.
Genome position (GRCh38, 1-based): chr12:12,718,050, G>A. VCF-style: chr12-12718050-G-A. GRCh37 (hg19) VCF-style: chr12-12870984-G-A.
Other names: short protein forms E71K.
Identifiers: ClinVar variation 469006 (VCV000469006.8), dbSNP rs1337857330, ClinGen allele CA383969522.
Genomic context (GRCh38, chr12:12,718,050, plus strand): 5'-GACATGGAAGAGGCGAGCCAGCGCAAGTGGAATTTCGATTTTCAGAATCACAAACCCCTA[G>A]AGGGCAAGTACGAGTGGCAAGAGGTGGAGAAGGGCAGCTTGCCCGAGTTCTACTACAGAC-3'
Protein context (NP_004055.1, residues 61-81): NFDFQNHKPL[Glu71Lys]GKYEWQEVEK